The following is an entry in ClinVar:

NM_005912.3(MC4R):c.828T>C (p.Tyr276=)

Gene: MC4R (melanocortin 4 receptor; minus strand). Cytogenetic location: 18q21.32.
Variant type: single nucleotide variant.
Coding change: c.828T>C on transcript NM_005912.3 (MANE Select); coding-DNA position 828, T replaced by C.
Protein change: p.Tyr276=; no amino-acid change (tyrosine 276 retained).
Molecular consequence: synonymous variant.
Genome position (GRCh38, 1-based): chr18:60,371,522, A>G on the plus strand (T>C on the coding strand, the complement: MC4R is on the minus strand). VCF-style: chr18-60371522-A-G. GRCh37 (hg19) VCF-style: chr18-58038755-A-G.
Identifiers: ClinVar variation 4978902 (VCV004978902.1).

ClinVar aggregate classification (germline): Likely benign (1 of 4 stars; one submission).

Conditions:
MC4R-related disorder. Also called: MC4R-related condition.

Submission:

PreventionGenetics, part of Exact Sciences
Classification: Likely benign for MC4R-related condition. Last evaluated: 2025-08-14. Review status: criteria provided, single submitter. Criteria: ACMG Guidelines, 2015. Collection method: clinical testing. Allele origin: germline.
Comment: This variant is classified as likely benign based on ACMG/AMP sequence variant interpretation guidelines (Richards et al. 2015 PMID: 25741868, with internal and published modifications).